The following is an entry in ClinVar:

ClinVar aggregate classification (germline): Uncertain significance (1 of 4 stars; one submission).

Submission:

GeneDx
Classification: Uncertain significance. Last evaluated: 2026-04-12. Review status: criteria provided, single submitter. Criteria: GeneDx Variant Classification Process June 2021. Collection method: clinical testing. Allele origin: germline.
Comment: Not observed at significant frequency in large population cohorts (gnomAD); In silico analysis suggests that this missense variant does not alter protein structure/function; Has not been previously published as pathogenic or benign to our knowledge

NM_000489.6(ATRX):c.3326C>T (p.Ser1109Leu)

Gene: ATRX (ATRX chromatin remodeler; minus strand). Cytogenetic location: Xq21.1.
Variant type: single nucleotide variant.
Coding change: c.3326C>T on transcript NM_000489.6 (MANE Select); coding-DNA position 3326, C replaced by T.
Protein change: p.Ser1109Leu; replaces serine 1109 with leucine.
Molecular consequence: missense variant.
Genome position (GRCh38, 1-based): chrX:77,681,930, G>A on the plus strand (C>T on the coding strand, the complement: ATRX is on the minus strand). VCF-style: chrX-77681930-G-A. GRCh37 (hg19) VCF-style: chrX-76937422-G-A.
Other names: c.3212C>T, p.Ser1071Leu (NM_138270.5); short protein forms S1071L, S1109L.
Identifiers: ClinVar variation 5018405 (VCV005018405.1).